The following is an entry in ClinVar:

NM_007373.4(SHOC2):c.919A>G (p.Ser307Gly)

Gene: SHOC2 (SHOC2 leucine rich repeat scaffold protein; plus strand). Cytogenetic location: 10q25.2.
Variant type: single nucleotide variant.
Coding change: c.919A>G on transcript NM_007373.4 (MANE Select); coding-DNA position 919, A replaced by G.
Protein change: p.Ser307Gly; replaces serine 307 with glycine.
Molecular consequence: missense variant. On other transcripts: non-coding transcript variant (1).
Genome position (GRCh38, 1-based): chr10:111,000,492, A>G. VCF-style: chr10-111000492-A-G. GRCh37 (hg19) VCF-style: chr10-112760250-A-G.
Other names: c.781A>G, p.Ser261Gly (NM_001269039.3); c.919A>G, p.Ser307Gly (NM_001324336.2, NM_001324337.2); short protein forms S307G, S261G.
Identifiers: ClinVar variation 2905577 (VCV002905577.3), dbSNP rs780755561, ClinGen allele CA5689683.

ClinVar aggregate classification (germline): Uncertain significance (1 of 4 stars; one submission).

Conditions:
RASopathy. Also called: Noonan spectrum disorder; rasopathies. Identifiers: Orphanet 536391, MedGen C5555857, MONDO:0021060.

Allele frequency attached by ClinVar (database versions not stated): gnomAD exomes below 0.00001; ExAC 0.00002.
gnomAD v4.1: 1 of 1,601,230 alleles (0.000062%); highest among the groups gnomAD compares: South Asian, 0.0011%; no homozygotes.

Submission:

Labcorp Genetics (formerly Invitae), Labcorp
Classification: Uncertain significance for RASopathy. Last evaluated: 2023-07-29. Review status: criteria provided, single submitter. Criteria: Invitae Variant Classification Sherloc (09022015). Collection method: clinical testing. Allele origin: germline.
Comment: In summary, the available evidence is currently insufficient to determine the role of this variant in disease. Therefore, it has been classified as a Variant of Uncertain Significance. Advanced modeling of protein sequence and biophysical properties (such as structural, functional, and spatial information, amino acid conservation, physicochemical variation, residue mobility, and thermodynamic stability) performed at Invitae indicates that this missense variant is not expected to disrupt SHOC2 protein function. This variant has not been reported in the literature in individuals affected with SHOC2-related conditions. This variant is present in population databases (rs780755561, gnomAD 0.003%). This sequence change replaces serine, which is neutral and polar, with glycine, which is neutral and non-polar, at codon 307 of the SHOC2 protein (p.Ser307Gly).